The following is an entry in ClinVar:

ClinVar aggregate classification (germline): Uncertain significance (1 of 4 stars; one submission).

Submission:

Labcorp Genetics (formerly Invitae), Labcorp
Classification: Uncertain significance. Last evaluated: 2023-08-29. Review status: criteria provided, single submitter. Criteria: Invitae Variant Classification Sherloc (09022015). Collection method: clinical testing. Allele origin: germline.
Comment: In summary, the available evidence is currently insufficient to determine the role of this variant in disease. Therefore, it has been classified as a Variant of Uncertain Significance. Advanced modeling of protein sequence and biophysical properties (such as structural, functional, and spatial information, amino acid conservation, physicochemical variation, residue mobility, and thermodynamic stability) performed at Invitae indicates that this missense variant is not expected to disrupt NALCN protein function. This variant has not been reported in the literature in individuals affected with NALCN-related conditions. This variant is not present in population databases (gnomAD no frequency). This sequence change replaces aspartic acid, which is acidic and polar, with alanine, which is neutral and non-polar, at codon 1659 of the NALCN protein (p.Asp1659Ala).

NM_052867.4(NALCN):c.4976A>C (p.Asp1659Ala)

Genes: NALCN (sodium leak channel, non-selective; minus strand), NALCN-AS1 (NALCN antisense RNA 1; plus strand). Cytogenetic location: 13q32.3.
Variant type: single nucleotide variant.
Coding change: c.4976A>C on transcript NM_052867.4 (MANE Select); coding-DNA position 4976, A replaced by C.
Protein change: p.Asp1659Ala; replaces aspartic acid 1659 with alanine.
Molecular consequence: missense variant. On other transcripts: non-coding transcript variant (1).
Genome position (GRCh38, 1-based): chr13:101,057,986, T>G on the plus strand (A>C on the coding strand, the complement: NALCN is on the minus strand). VCF-style: chr13-101057986-T-G. GRCh37 (hg19) VCF-style: chr13-101710338-T-G.
Other names: c.5063A>C, p.Asp1688Ala (NM_001350748.2); c.4976A>C, p.Asp1659Ala (NM_001350749.2); c.4889A>C, p.Asp1630Ala (NM_001350750.2, NM_001350751.2); short protein forms D1630A, D1688A, D1659A.
Identifiers: ClinVar variation 2756219 (VCV002756219.3), dbSNP rs1253803489, ClinGen allele CA388643816.